The following is an entry in ClinVar:

ClinVar aggregate classification (germline): Likely benign (1 of 4 stars; one submission).

Submission:

CeGaT Center for Human Genetics Tuebingen
Classification: Likely benign. Last evaluated: 2024-09-01. Review status: criteria provided, single submitter. Criteria: CeGaT Center For Human Genetics Tuebingen Variant Classification Criteria Version 2. Collection method: clinical testing. Allele origin: germline. Affected: yes. Observed: 2 variant alleles.
Comment: POU3F3: BS1

NM_006236.3(POU3F3):c.105CGG[7] (p.Gly43_Ala44insGly)

Gene: POU3F3 (POU class 3 homeobox 3; plus strand). Cytogenetic location: 2q12.1.
Variant type: Microsatellite.
Coding change: c.105CGG[7] on transcript NM_006236.3 (MANE Select); seven copies in a row of the 3-base unit CGG starting at c.105; the reference has six copies in a row; one copy, 3 bases duplicated.
Protein change: p.Gly43_Ala44insGly.
Molecular consequence: inframe insertion.
Genome position (GRCh38, 1-based): chr2:104,855,630-104,855,632, CGG duplicated; duplicating any 3 consecutive bases within chr2:104,855,613-104,855,632 gives the same sequence; the position shown is the placement nearest the transcript's 3' end. VCF-style (leftmost placement, unchanged base first): chr2-104855612-T-TGGC. GRCh37 (hg19) VCF-style: chr2-105472070-T-TGGC.
Identifiers: ClinVar variation 2651215 (VCV002651215.24), dbSNP rs1213851181, ClinGen allele CA428206976.